The following is an entry in ClinVar:

NM_000215.4(JAK3):c.1796T>G (p.Val599Gly)

Gene: JAK3 (Janus kinase 3; minus strand). Cytogenetic location: 19p13.11.
Variant type: single nucleotide variant.
Coding change: c.1796T>G on transcript NM_000215.4 (MANE Select); coding-DNA position 1796, T replaced by G.
Protein change: p.Val599Gly; replaces valine 599 with glycine.
Molecular consequence: missense variant.
Genome position (GRCh38, 1-based): chr19:17,836,042, A>C on the plus strand (T>G on the coding strand, the complement: JAK3 is on the minus strand). VCF-style: chr19-17836042-A-C. GRCh37 (hg19) VCF-style: chr19-17946851-A-C.
Other names: NM_000215.4(JAK3):c.1796T>G; p.Val599Gly; short protein forms V599G.
Identifiers: ClinVar variation 624608 (VCV000624608.2), dbSNP rs1568403355, ClinGen allele CA404769029.

ClinVar aggregate classification (germline): Uncertain significance (3 of 4 stars; one submission).

Conditions:
T-B+ severe combined immunodeficiency due to JAK3 deficiency. Also called: SCID, autosomal recessive, T-negative/B-positive type; SCID, T CELL-NEGATIVE, B CELL-POSITIVE, NK CELL-NEGATIVE. Identifiers: Orphanet 35078, MedGen C1833275, MONDO:0010938, OMIM 600802.

Submission:

ClinGen Severe Combined Immunodeficiency Variant Curation Expert Panel, ClinGen
Classification: Uncertain significance for T-B+ severe combined immunodeficiency due to JAK3 deficiency. Last evaluated: 2023-11-14. Review status: reviewed by expert panel. Criteria: ClinGen SCID ACMG Specifications JAK3 V1.0.0. Collection method: curation. Allele origin: germline. Inheritance: Autosomal recessive inheritance.
Comment: The NM_000215.4(JAK3):c.1796T>G (p.Val599Gly) missense variant has been reported in a TlowB+NKlow patient (patient 4 of PMID: 30032486), diagnosed with leaky SCID (reported in PMID: 31456805), including low CD3+ cells (733.5 cells/ul), reduced, but detectable, proliferative response to PHA (>10 < 30% of the control), and absence of maternal engraftment. Patient cells also had defective STAT5 phosphorylation after IL2 or IL15 stimulation. This combination is highly specific for T-B+ severe combined immunodeficiency due to JAK3 deficiency (PP4). Patient 4 (PMID: 30032486) is compound heterozygous for p.V599G and p.W709R (Classified VUS by the SCID VCEP) confirmed in trans, but this co-occurrence of variants is insufficient for the PM3 criteria. This variant is absent from gnomAD v2.1.1 (PM2_Supporting). In summary, this variant meets the criteria to be classified as uncertain significance for autosomal recessive T-B+ SCID based on the ACMG/AMP criteria applied, as specified by the ClinGen SCID VCEP. Criteria applied: PM2_supporting, PP4. (VCEP specifications version 1).